The following is an entry in ClinVar:

ClinVar aggregate classification (germline): Uncertain significance. Review status: criteria provided, multiple submitters, no conflicts (2 of 4 stars). 2 submissions from 2 submitters: Uncertain significance (2). Last evaluated 2026-03-08.

Conditions:
Developmental and epileptic encephalopathy, 25 (DEE25). Also called: Epileptic encephalopathy, early infantile, 25; Developmental and epileptic encephalopathy 25, with amelogenesis imperfecta; Epileptic encephalopathy, early infantile, 25, with amelogenesis imperfecta. Identifiers: Orphanet 442835, MedGen C4014621, MONDO:0014392, OMIM 615905.

Allele frequency attached by ClinVar (database versions not stated): gnomAD exomes below 0.00001 and 0.00001.

Submissions (2):

GeneDx
Classification: Uncertain significance. Last evaluated: 2026-03-08. Review status: criteria provided, single submitter. Criteria: GeneDx Variant Classification Process June 2021. Collection method: clinical testing. Allele origin: germline.
Comment: Not observed at significant frequency in large population cohorts (gnomAD); In-frame duplication of 3 amino acid(s) in a non-repeat region; Has not been previously published as pathogenic or benign to our knowledge

Labcorp Genetics (formerly Invitae), Labcorp
Classification: Uncertain significance for Developmental and epileptic encephalopathy, 25. Last evaluated: 2022-08-15. Review status: criteria provided, single submitter. Criteria: Invitae Variant Classification Sherloc (09022015). Collection method: clinical testing. Allele origin: germline.
Comment: In summary, the available evidence is currently insufficient to determine the role of this variant in disease. Therefore, it has been classified as a Variant of Uncertain Significance. Experimental studies and prediction algorithms are not available or were not evaluated, and the functional significance of this variant is currently unknown. ClinVar contains an entry for this variant (Variation ID: 1381950). This variant has not been reported in the literature in individuals affected with SLC13A5-related conditions. This variant is present in population databases (no rsID available, gnomAD 0.003%). This variant, c.618_626dup, results in the insertion of 3 amino acid(s) of the SLC13A5 protein (p.Ala207_Thr209dup), but otherwise preserves the integrity of the reading frame.

NM_177550.5(SLC13A5):c.618_626dup (p.Ala207_Thr209dup)

Gene: SLC13A5 (solute carrier family 13 member 5; minus strand). Cytogenetic location: 17p13.1.
Variant type: Duplication.
Coding change: c.618_626dup on transcript NM_177550.5 (MANE Select); coding-DNA positions 618 to 626, 9 bases duplicated (GGCCATGAC; older notation c.618_626dupGGCCATGAC).
Protein change: p.Ala207_Thr209dup.
Molecular consequence: inframe insertion.
Genome position (GRCh38, 1-based): chr17:6,703,060-6,703,068, GTCATGGCC duplicated on the plus strand (GGCCATGAC on the coding strand, the reverse complement: SLC13A5 is on the minus strand). VCF-style (leftmost placement, unchanged base first): chr17-6703059-G-GGTCATGGCC. GRCh37 (hg19) VCF-style: chr17-6606378-G-GGTCATGGCC.
Other names: c.618_626dup, p.Ala207_Thr209dup (NM_001143838.3); c.567_575dup, p.Ala190_Thr192dup (NM_001284509.2); c.489_497dup, p.Ala164_Thr166dup (NM_001284510.2); c.618_626dup (NM_177550.4).
Identifiers: ClinVar variation 1381950 (VCV001381950.9), dbSNP rs1490001751, ClinGen allele CA624859660.